The following is an entry in ClinVar:

ClinVar aggregate classification (germline): Uncertain significance (1 of 4 stars; one submission).

Conditions:
Parenti-mignot neurodevelopmental syndrome. Identifiers: MedGen C5676984, MONDO:0859249, OMIM 619873.

gnomAD v4.1: 17 of 1,552,142 alleles (0.0011%); highest among the groups gnomAD compares: East Asian, 0.0073%; no homozygotes.

Submission:

Juno Genomics, Hangzhou Juno Genomics, Inc
Classification: Uncertain significance for Parenti-mignot neurodevelopmental syndrome. Review status: criteria provided, single submitter. Criteria: ACMG Guidelines, 2015. Collection method: clinical testing. Allele origin: germline.
Comment: Absent from controls (or at extremely low frequency if recessive) in Genome Aggregation Database.;Multiple lines of computational evidence support a deleterious effect on the gene or gene product.

NM_015557.3(CHD5):c.5751C>T (p.Phe1917=)

Gene: CHD5 (chromodomain helicase DNA binding protein 5; minus strand). Cytogenetic location: 1p36.31.
Variant type: single nucleotide variant.
Coding change: c.5751C>T on transcript NM_015557.3 (MANE Select); coding-DNA position 5751, C replaced by T.
Protein change: p.Phe1917=; no amino-acid change (phenylalanine 1917 retained).
Molecular consequence: synonymous variant.
Genome position (GRCh38, 1-based): chr1:6,106,501, G>A on the plus strand (C>T on the coding strand, the complement: CHD5 is on the minus strand). VCF-style: chr1-6106501-G-A. GRCh37 (hg19) VCF-style: chr1-6166561-G-A.
Identifiers: ClinVar variation 5006941 (VCV005006941.2).
Genomic context (GRCh38, chr1:6,106,501, plus strand): 5'-TCCCGGTCCAGGGCCCCGGAAGTTGGGCCCAAAGTTGTTGCTGTACATCTGGGAGGAGCC[G>A]AAAGCGCCCTGGAGGCAAGGACTCAGCTTCACAGGTGGTCTCAGGCCCCCCACCCAGCCT-3'
Protein context (NP_056372.1, residues 1907-1927): AGDPTIQQGA[Phe1917=]GSSQMYSNNF